The following is an entry in ClinVar:

ClinVar aggregate classification (germline): Uncertain significance (1 of 4 stars; one submission).

Submission:

GeneDx
Classification: Uncertain significance. Last evaluated: 2023-06-08. Review status: criteria provided, single submitter. Criteria: GeneDx Variant Classification Process June 2021. Collection method: clinical testing. Allele origin: germline. Affected: yes.
Comment: Not observed at significant frequency in large population cohorts (gnomAD); In silico analysis supports that this missense variant does not alter protein structure/function; Has not been previously published as pathogenic or benign to our knowledge

NM_152296.5(ATP1A3):c.907C>G (p.Leu303Val)

Gene: ATP1A3 (ATPase Na+/K+ transporting subunit alpha 3; minus strand). Cytogenetic location: 19q13.2.
Variant type: single nucleotide variant.
Coding change: c.907C>G on transcript NM_152296.5 (MANE Select); coding-DNA position 907, C replaced by G.
Protein change: p.Leu303Val; replaces leucine 303 with valine.
Molecular consequence: missense variant.
Genome position (GRCh38, 1-based): chr19:41,985,004, G>C on the plus strand (C>G on the coding strand, the complement: ATP1A3 is on the minus strand). VCF-style: chr19-41985004-G-C. GRCh37 (hg19) VCF-style: chr19-42489156-G-C.
Other names: c.940C>G, p.Leu314Val (NM_001256213.2); c.946C>G, p.Leu316Val (NM_001256214.2); short protein forms L303V, L314V, L316V.
Identifiers: ClinVar variation 3252900 (VCV003252900.1), dbSNP rs2514075382.
Genomic context (GRCh38, chr19:41,985,004, plus strand): 5'-GGACATTGGCCACGATGATGCCGATGAGGAAGATGACAGCCTCAAGCCAGGTGTATCCGA[G>C]AATGAGGGAGAGGATGAAGAAGGAGACACCCAGGAAGACAGCCACGCCGGTGATGAGCTG-3'
Protein context (NP_689509.1, residues 293-313): GVSFFILSLI[Leu303Val]GYTWLEAVIF